The following is an entry in ClinVar:

NM_001126108.2(SLC12A3):c.1844C>T (p.Ser615Leu)

Gene: SLC12A3 (solute carrier family 12 member 3; plus strand). Cytogenetic location: 16q13.
Variant type: single nucleotide variant.
Coding change: c.1844C>T on transcript NM_001126108.2 (MANE Select); coding-DNA position 1844, C replaced by T.
Protein change: p.Ser615Leu; replaces serine 615 with leucine.
Molecular consequence: missense variant.
Genome position (GRCh38, 1-based): chr16:56,885,283, C>T. VCF-style: chr16-56885283-C-T. GRCh37 (hg19) VCF-style: chr16-56919195-C-T.
Other names: c.1844C>T, p.Ser615Leu (NM_000339.3); c.1841C>T, p.Ser614Leu (NM_001126107.2); short protein forms S615L, S614L.
Identifiers: ClinVar variation 562346 (VCV000562346.32), dbSNP rs779160677, ClinGen allele CA8069642.

ClinVar aggregate classification (germline): Pathogenic/Likely pathogenic. Review status: criteria provided, multiple submitters, no conflicts (2 of 4 stars). 16 submissions from 16 submitters: Pathogenic (12); Likely pathogenic (3). 1 of the submissions does not count toward it. Last evaluated 2026-08-06.

Conditions:
SLC12A3-related disorder. Also called: SLC12A3-related condition.
Familial hypokalemia-hypomagnesemia (GTLMNS). Also called: POTASSIUM AND MAGNESIUM DEPLETION; gitelman syndrome; HYPOMAGNESEMIA-HYPOKALEMIA, PRIMARY RENOTUBULAR, WITH HYPOCALCIURIA. Identifiers: Orphanet 358, MedGen C0268450, MONDO:0009904, OMIM 263800.

Allele frequency attached by ClinVar (database versions not stated): TOPMed 0.00002; gnomAD 0.00003; gnomAD exomes 0.00004; ExAC 0.00005.
gnomAD v4.1: 48 of 1,553,070 alleles (0.0031%); highest among the groups gnomAD compares: Middle Eastern, 0.017%; no homozygotes.

Submissions 1 to 10 of 16:

OLLIN Analises Genomicas, OLLIN
Classification: Pathogenic for Familial hypokalemia-hypomagnesemia. Last evaluated: 2026-08-06. Review status: criteria provided, single submitter. Criteria: ACMG Guidelines 2015 PMID 25741868. Collection method: clinical testing. Allele origin: germline. Inheritance: Autosomal recessive inheritance.
Comment: This missense variant, located in exon 15 (of 26), has been reported in ClinVar (accession VCV002132940.4), in gnomAD with an allele frequency of 0.00309%, and in the scientific literature, in compound heterozygosity, in individuals with SLC12A3 related disorders (PMID: 20552229, 27303630, 22728489, 32397528, 36806220, 28685938, 12112667). In silico analysis predicts that this variant has a deleterious effect. Another pathogenic variant affecting the same amino acid residue has been reported (PMID: 12112667). According to the currently available evidence, this variant has been classified as pathogenic (PM2_P, PM3_VS, PM5, PP3_S).

PreventionGenetics, part of Exact Sciences
Classification: Pathogenic for SLC12A3-related condition. Last evaluated: 2026-04-27. Review status: criteria provided, single submitter. Criteria: ACMG Guidelines, 2015. Collection method: clinical testing. Allele origin: germline.
Comment: The SLC12A3 c.1844C>T variant is predicted to result in the amino acid substitution p.Ser615Leu. This variant has been reported in multiple individuals with Gitelman syndrome (see for example - Cruz et al. 2001. PubMed ID: 11168953; Fujimura. 2019. PubMed ID: 30596175; Table S1, Zeng et al. 2019. PubMed ID: 31398183). This variant is reported in 0.0077% of alleles in individuals of European (Non-Finnish) descent in gnomAD. This variant is interpreted as pathogenic.

Natera, Inc.
Classification: Pathogenic for Gitelman syndrome. Last evaluated: 2026-01-29. Review status: criteria provided, single submitter. Criteria: Natera Variant Classification Schema (03/2026). Collection method: clinical testing. Allele origin: germline.
Comment: The c.1844C>T variant in SLC12A3 is a missense variant predicted to cause substitution of serine to leucine at amino acid 615. This variant is rare in the general population with a frequency below the threshold expected for the associated phenotype(s). This variant has been observed in one or more individuals affected with the associated recessive disease, as either homozygous or compound heterozygous with a second variant (PMID: 30596175). Computational prediction algorithms indicate this variant is likely to affect gene or protein function. Given the available evidence, this variant is classified as Pathogenic.

Labcorp Genetics (formerly Invitae), Labcorp
Classification: Pathogenic. Last evaluated: 2025-12-01. Review status: criteria provided, single submitter. Criteria: Invitae Variant Classification Sherloc (09022015). Collection method: clinical testing. Allele origin: germline.
Comment: This sequence change replaces serine, which is neutral and polar, with leucine, which is neutral and non-polar, at codon 615 of the SLC12A3 protein (p.Ser615Leu). This variant is present in population databases (rs779160677, gnomAD 0.01%). This missense change has been observed in individual(s) with clinical features of Gitelman syndrome (PMID: 11168953, 20552229, 22728489, 27303630, 30596175). In at least one individual the data is consistent with being in trans (on the opposite chromosome) from a pathogenic variant. ClinVar contains an entry for this variant (Variation ID: 562346). Invitae Evidence Modeling of protein sequence and biophysical properties (such as structural, functional, and spatial information, amino acid conservation, physicochemical variation, residue mobility, and thermodynamic stability) indicates that this missense variant is expected to disrupt SLC12A3 protein function with a positive predictive value of 95%. For these reasons, this variant has been classified as Pathogenic.

Women's Health and Genetics/Laboratory Corporation of America, LabCorp
Classification: Pathogenic for Familial hypokalemia-hypomagnesemia. Last evaluated: 2025-11-26. Review status: criteria provided, single submitter. Criteria: LabCorp Variant Classification Summary - May 2015. Collection method: clinical testing. Allele origin: germline.
Comment: Variant summary: SLC12A3 c.1844C>T (p.Ser615Leu) results in a non-conservative amino acid change in the encoded protein sequence. Algorithms developed to predict the effect of missense changes on protein structure and function all suggest that this variant is likely to be disruptive. The variant allele was found at a frequency of 3.8e-05 in 159886 control chromosomes. c.1844C>T has been observed as a biallelic genotype in multiple individuals affected with Familial Hypokalemia-Hypomagnesemia (Gitelman syndrome) (e.g.Corbetta_2014, Palazzo_2022). These data indicate that the variant is very likely to be associated with disease. The following publications have been ascertained in the context of this evaluation (PMID: 25422309, 35628451). ClinVar contains an entry for this variant (Variation ID: 562346). Based on the evidence outlined above, the variant was classified as pathogenic.

Kasturba Medical College, Manipal, Kasturba Medical College, Manipal, Manipal Academy of Higher Education, Manipal, India
Classification: Likely pathogenic for Familial hypokalemia-hypomagnesemia. Last evaluated: 2025-10-29. Review status: criteria provided, single submitter. Criteria: ACMG Guidelines, 2015. Collection method: research. Allele origin: germline. Inheritance: Autosomal recessive inheritance. Affected: yes.
Comment: This variant is absent in homozygous state and present in 48 individuals in heterozygous state (allele frequency: 0.00003091) in gnomAD (v4.1.0). This variant is absent in homozygous state and present in 3 individuals in heterozygous state in our in-house database of 3851 exomes. In silico prediction tools (CADD Phred, REVEL and MutationTaster) are consistent in predicting the variant to be damaging to SLC12A3 protein function.

Variantyx, Inc.
Classification: Pathogenic for Familial hypokalemia-hypomagnesemia. Last evaluated: 2025-10-23. Review status: criteria provided, single submitter. Criteria: Variantyx Assertion Criteria 2022. Collection method: clinical testing. Allele origin: germline. Inheritance: Autosomal recessive inheritance. Affected: no.
Comment: This is a nonsynonymous variant in the SLC12A3 gene (OMIM: 600968). Pathogenic variants in this gene have been associated with autosomal recessive Gitelman syndrome. This variant has been identified in the homozygous or compound heterozygous state in several affected individuals reported in the published literature (PMID: 11168953, 20552229, 22728489, 27303630, 30596175, 28700713, 30586318) (PM3). The alteration lies within a known hotspot for pathogenic variants or a well-established critical functional domain of the SLC12A3 protein (PMID: 34860177, 35628451) (PM1), and multiple computational algorithms predict a deleterious effect for this variant (REVEL score: 0.97) (PP3). This variant has a 0.0055% maximum allele frequency in non-founder control populations (PM2). Based on the current evidence, this variant is classified as pathogenic for autosomal recessive Gitelman syndrome.

3billion
Classification: Pathogenic for Familial hypokalemia-hypomagnesemia. Last evaluated: 2025-10-20. Review status: criteria provided, single submitter. Criteria: ACMG Guidelines, 2015. Collection method: clinical testing. Allele origin: germline. Affected: yes.
Comment: The variant is observed at an extremely low frequency in the gnomAD v4.1.0 dataset (total allele frequency: 0.003%). Predicted Consequence/Location: Missense variant In silico tool predictions suggest damaging effect of the variant on gene or gene product [REVEL: 0.97 (>=0.6, sensitivity 0.68 and specificity 0.92); 3Cnet: 0.99 (> 0.75, sensitivity 0.96 and precision 0.92)]. The same nucleotide change resulting in the same amino acid change has been previously reported as pathogenic/likely pathogenic with strong evidence (ClinVar ID: VCV000562346 /PMID: 11168953 /3billion dataset). The variant has been reported to be in trans with a pathogenic variant as either compound heterozygous or homozygous in at least one similarly affected unrelated individual (PMID: 30596175). A different missense change at the same codon (p.Ser615Trp) has been reported as pathogenic/likely pathogenic with strong evidence (ClinVar ID: VCV001330263 /PMID: 12112667). Therefore, this variant is classified as Pathogenic according to the recommendation of ACMG/AMP guideline.

Genomic Medicine Center of Excellence, King Faisal Specialist Hospital and Research Centre
Classification: Pathogenic for Familial hypokalemia-hypomagnesemia. Last evaluated: 2024-12-18. Review status: criteria provided, single submitter. Criteria: ACMG Guidelines, 2015. Collection method: clinical testing. Allele origin: germline.

GeneDx
Classification: Pathogenic. Last evaluated: 2023-08-11. Review status: criteria provided, single submitter. Criteria: GeneDx Variant Classification Process June 2021. Collection method: clinical testing. Allele origin: germline. Affected: yes.
Comment: In silico analysis supports that this missense variant has a deleterious effect on protein structure/function; This variant is associated with the following publications: (PMID: 30586318, 28700713, 20552229, 28251383, 11168953, 30596175, 22728489, 27303630, 22334612, 31398183, 28469853, 33348466, ATMI2018[Article], Parreira2015[article], 26121437, 32397528, 12112667, 25422309, 26770037, 22990302, 34426522, 31589614)